The following is an entry in ClinVar:

NM_018671.5(UNC45A):c.1628C>T (p.Thr543Ile)

Gene: UNC45A (unc-45 myosin chaperone A; plus strand). Cytogenetic location: 15q26.1.
Variant type: single nucleotide variant.
Coding change: c.1628C>T on transcript NM_018671.5 (MANE Select); coding-DNA position 1628, C replaced by T.
Protein change: p.Thr543Ile; replaces threonine 543 with isoleucine.
Molecular consequence: missense variant.
Genome position (GRCh38, 1-based): chr15:90,948,174, C>T. VCF-style: chr15-90948174-C-T. GRCh37 (hg19) VCF-style: chr15-91491404-C-T.
Other names: c.1583C>T, p.Thr528Ile (NM_001039675.2, NM_001323621.2); c.1628C>T, p.Thr543Ile (NM_001323619.1); c.1193C>T, p.Thr398Ile (NM_001323620.2); short protein forms T528I, T543I, T398I.
Identifiers: ClinVar variation 1389713 (VCV001389713.6), dbSNP rs2151372428, ClinGen allele CA393857553.

ClinVar aggregate classification (germline): Uncertain significance (1 of 4 stars; one submission).

Submission:

Labcorp Genetics (formerly Invitae), Labcorp
Classification: Uncertain significance. Last evaluated: 2021-10-27. Review status: criteria provided, single submitter. Criteria: Invitae Variant Classification Sherloc (09022015). Collection method: clinical testing. Allele origin: germline.
Comment: In summary, the available evidence is currently insufficient to determine the role of this variant in disease. Therefore, it has been classified as a Variant of Uncertain Significance. Algorithms developed to predict the effect of missense changes on protein structure and function are either unavailable or do not agree on the potential impact of this missense change (SIFT: "Not Available"; PolyPhen-2: "Benign"; Align-GVGD: "Not Available"). This variant has not been reported in the literature in individuals affected with UNC45A-related conditions. This variant is not present in population databases (gnomAD no frequency). This sequence change replaces threonine, a(n) neutral and polar amino acid, with isoleucine, a(n) neutral and non-polar amino acid, at codon 543 of the UNC45A protein (p.Thr543Ile).